The following is an entry in ClinVar:

ClinVar aggregate classification (germline): Conflicting classifications of pathogenicity. Review status: criteria provided, conflicting classifications (1 of 4 stars). 2 submissions from 2 submitters: Uncertain significance (1); Likely benign (1). Last evaluated 2025-10-27.

Conditions:
Juvenile polyposis syndrome (JPS). Identifiers: Orphanet 2929, MedGen C0345893, MONDO:0017380, OMIM 174900.
Hereditary cancer-predisposing syndrome. Also called: Hereditary neoplastic syndrome; Neoplastic Syndromes, Hereditary; Hereditary Cancer Syndrome; Tumor predisposition. Identifiers: Orphanet 140162, MedGen C0027672, MeSH D009386, MONDO:0015356.

Submissions (2):

Labcorp Genetics (formerly Invitae), Labcorp
Classification: Uncertain significance for Juvenile polyposis syndrome. Last evaluated: 2025-10-27. Review status: criteria provided, single submitter. Criteria: Invitae Variant Classification Sherloc (09022015). Collection method: clinical testing. Allele origin: germline.
Comment: This sequence change replaces lysine, which is basic and polar, with asparagine, which is neutral and polar, at codon 372 of the BMPR1A protein (p.Lys372Asn). This variant is not present in population databases (gnomAD no frequency). This variant has not been reported in the literature in individuals affected with BMPR1A-related conditions. ClinVar contains an entry for this variant (Variation ID: 1415783). Invitae Evidence Modeling of protein sequence and biophysical properties (such as structural, functional, and spatial information, amino acid conservation, physicochemical variation, residue mobility, and thermodynamic stability) indicates that this missense variant is not expected to disrupt BMPR1A protein function with a negative predictive value of 80%. In summary, the available evidence is currently insufficient to determine the role of this variant in disease. Therefore, it has been classified as a Variant of Uncertain Significance.

Ambry Genetics
Classification: Likely benign for Hereditary cancer-predisposing syndrome. Last evaluated: 2024-02-29. Review status: criteria provided, single submitter. Criteria: Ambry Variant Classification Scheme 2023. Collection method: clinical testing. Allele origin: germline.

NM_004329.3(BMPR1A):c.1116A>C (p.Lys372Asn)

Gene: BMPR1A (bone morphogenetic protein receptor type 1A; plus strand). Cytogenetic location: 10q23.2.
Variant type: single nucleotide variant.
Coding change: c.1116A>C on transcript NM_004329.3 (MANE Select); coding-DNA position 1116, A replaced by C.
Protein change: p.Lys372Asn; replaces lysine 372 with asparagine.
Molecular consequence: missense variant.
Genome position (GRCh38, 1-based): chr10:86,919,419, A>C. VCF-style: chr10-86919419-A-C. GRCh37 (hg19) VCF-style: chr10-88679176-A-C.
Other names: short protein forms K372N.
Identifiers: ClinVar variation 1415783 (VCV001415783.10), dbSNP rs2133593509, ClinGen allele CA377460940.